The following is an entry in ClinVar:

ClinVar aggregate classification (germline): Uncertain significance (1 of 4 stars; one submission).

Conditions:
Emery-Dreifuss muscular dystrophy 4, autosomal dominant (EDMD4). Also called: EMERY-DREIFUSS MUSCULAR DYSTROPHY 4 WITH VARIABLE FEATURES. Identifiers: Orphanet 261, MedGen C2751807, MONDO:0013071, OMIM 612998.
Autosomal recessive ataxia, Beauce type. Also called: SYNE1-Related Autosomal Recessive Cerebellar Ataxia; SYNE1 Deficiency; Spinocerebellar ataxia, autosomal recessive 8; ATAXIA, RECESSIVE, OF BEAUCE. Identifiers: Orphanet 88644, MedGen C1853116, MONDO:0012549, OMIM 610743.

Submission:

Labcorp Genetics (formerly Invitae), Labcorp
Classification: Uncertain significance for Emery-Dreifuss muscular dystrophy 4, autosomal dominant; Autosomal recessive ataxia, Beauce type. Last evaluated: 2024-10-07. Review status: criteria provided, single submitter. Criteria: Invitae Variant Classification Sherloc (09022015). Collection method: clinical testing. Allele origin: germline.
Comment: This sequence change replaces glutamine, which is neutral and polar, with arginine, which is basic and polar, at codon 4674 of the SYNE1 protein (p.Gln4674Arg). This variant is not present in population databases (gnomAD no frequency). This variant has not been reported in the literature in individuals affected with SYNE1-related conditions. ClinVar contains an entry for this variant (Variation ID: 1713894). An algorithm developed to predict the effect of missense changes on protein structure and function (PolyPhen-2) suggests that this variant is likely to be disruptive. In summary, the available evidence is currently insufficient to determine the role of this variant in disease. Therefore, it has been classified as a Variant of Uncertain Significance.

NM_182961.4(SYNE1):c.14234A>G (p.Gln4745Arg)

Gene: SYNE1 (spectrin repeat containing nuclear envelope protein 1; minus strand). Cytogenetic location: 6q25.2.
Variant type: single nucleotide variant.
Coding change: c.14234A>G on transcript NM_182961.4 (MANE Select); coding-DNA position 14234, A replaced by G.
Protein change: p.Gln4745Arg; replaces glutamine 4745 with arginine.
Molecular consequence: missense variant.
Genome position (GRCh38, 1-based): chr6:152,330,451, T>C on the plus strand (A>G on the coding strand, the complement: SYNE1 is on the minus strand). VCF-style: chr6-152330451-T-C. GRCh37 (hg19) VCF-style: chr6-152651586-T-C.
Other names: c.14021A>G, p.Gln4674Arg (NM_033071.5); short protein forms Q4674R, Q4745R.
Identifiers: ClinVar variation 1713894 (VCV001713894.5), dbSNP rs2485142726, ClinGen allele CA366098453.